The following is an entry in ClinVar:

NM_152594.3(SPRED1):c.867A>T (p.Lys289Asn)

Gene: SPRED1 (sprouty related EVH1 domain containing 1; plus strand). Cytogenetic location: 15q14.
Variant type: single nucleotide variant.
Coding change: c.867A>T on transcript NM_152594.3 (MANE Select); coding-DNA position 867, A replaced by T.
Protein change: p.Lys289Asn; replaces lysine 289 with asparagine.
Molecular consequence: missense variant.
Genome position (GRCh38, 1-based): chr15:38,351,196, A>T. VCF-style: chr15-38351196-A-T. GRCh37 (hg19) VCF-style: chr15-38643397-A-T.
Other names: c.867A>T (NM_152594.2); short protein forms K289N.
Identifiers: ClinVar variation 2986269 (VCV002986269.4), dbSNP rs1317926847, ClinGen allele CA391933431.
Genomic context (GRCh38, chr15:38,351,196, plus strand): 5'-TGACTTGGAAAGAGATGATGCTGATTCCAGTATTCAGTTTTCTAAACCAGACAGTAAAAA[A>T]TCAGACTATCTGTACTCTTGTGGGGATGAGACTAAGTTAAGTTCACCCAAAGACTCTGTG-3'
Protein context (NP_689807.1, residues 279-299): SIQFSKPDSK[Lys289Asn]SDYLYSCGDE

ClinVar aggregate classification (germline): Uncertain significance. Review status: criteria provided, multiple submitters, no conflicts (2 of 4 stars). 2 submissions from 2 submitters: Uncertain significance (2). Last evaluated 2025-03-15.

Conditions:
Cardiovascular phenotype. Identifiers: MedGen CN230736.
Legius syndrome. Identifiers: Orphanet 137605, MedGen C1969623, MONDO:0012669, OMIM 611431. Disease mechanism: loss of function.

Allele frequency attached by ClinVar (database versions not stated): gnomAD exomes below 0.00001; gnomAD 0.00001.
gnomAD v4.1: 2 of 1,614,050 alleles (0.00012%); highest among the groups gnomAD compares: Non-Finnish European, 0.00017%; no homozygotes.

Submissions (2):

Ambry Genetics
Classification: Uncertain significance for Cardiovascular phenotype. Last evaluated: 2025-03-15. Review status: criteria provided, single submitter. Criteria: Ambry Variant Classification Scheme 2023. Collection method: clinical testing. Allele origin: germline.
Comment: The p.K289N variant (also known as c.867A>T), located in coding exon 7 of the SPRED1 gene, results from an A to T substitution at nucleotide position 867. The lysine at codon 289 is replaced by asparagine, an amino acid with similar properties. This amino acid position is conserved. In addition, the in silico prediction for this alteration is inconclusive. Based on the available evidence, the clinical significance of this variant remains unclear.

Labcorp Genetics (formerly Invitae), Labcorp
Classification: Uncertain significance for Legius syndrome. Last evaluated: 2024-04-16. Review status: criteria provided, single submitter. Criteria: Invitae Variant Classification Sherloc (09022015). Collection method: clinical testing. Allele origin: germline.
Comment: This sequence change replaces lysine, which is basic and polar, with asparagine, which is neutral and polar, at codon 289 of the SPRED1 protein (p.Lys289Asn). This variant is present in population databases (no rsID available, gnomAD 0.002%). This variant has not been reported in the literature in individuals affected with SPRED1-related conditions. Advanced modeling of protein sequence and biophysical properties (such as structural, functional, and spatial information, amino acid conservation, physicochemical variation, residue mobility, and thermodynamic stability) performed at Invitae indicates that this missense variant is not expected to disrupt SPRED1 protein function with a negative predictive value of 80%. In summary, the available evidence is currently insufficient to determine the role of this variant in disease. Therefore, it has been classified as a Variant of Uncertain Significance.